The following is an entry in ClinVar:

ClinVar aggregate classification (germline): Uncertain significance (1 of 4 stars; one submission).

Conditions:
Charcot-Marie-Tooth disease axonal type 2V. Also called: CHARCOT-MARIE-TOOTH NEUROPATHY, TYPE 2V; CHARCOT-MARIE-TOOTH DISEASE, AXONAL, AUTOSOMAL DOMINANT, TYPE 2V. Identifiers: Orphanet 447964, MedGen C5569050, MONDO:0014665, OMIM 616491.
Mucopolysaccharidosis, MPS-III-B (MPS3B). Also called: N-ACETYL-ALPHA-D-GLUCOSAMINIDASE DEFICIENCY; NAGLU DEFICIENCY; SANFILIPPO SYNDROME B; MPS III B; MUCOPOLYSACCHARIDOSIS, TYPE IIIB; MPS IIIB (Sanfilippo Syndrome Type B). Identifiers: Orphanet 79270, MedGen C0086648, MONDO:0009656, OMIM 252920.

Allele frequency attached by ClinVar (database versions not stated): gnomAD 0.00002; 1000 Genomes Project 30x 0.00016; ExAC 0.00001; TOPMed 0.00002; 1000 Genomes Project 0.00020.
gnomAD v4.1: 3 of 1,614,230 alleles (0.00019%); highest among the groups gnomAD compares: African/African-American, 0.0027%; no homozygotes.

Submission:

Labcorp Genetics (formerly Invitae), Labcorp
Classification: Uncertain significance for Charcot-Marie-Tooth disease axonal type 2V; Mucopolysaccharidosis, MPS-III-B. Last evaluated: 2021-08-12. Review status: criteria provided, single submitter. Criteria: Invitae Variant Classification Sherloc (09022015). Collection method: clinical testing. Allele origin: germline.
Comment: This sequence change replaces alanine with serine at codon 158 of the NAGLU protein (p.Ala158Ser). The alanine residue is highly conserved and there is a moderate physicochemical difference between alanine and serine. This variant is present in population databases (rs542076832, ExAC 0.01%). This variant has not been reported in the literature in individuals affected with NAGLU-related conditions. Advanced modeling of protein sequence and biophysical properties (such as structural, functional, and spatial information, amino acid conservation, physicochemical variation, residue mobility, and thermodynamic stability) performed at Invitae indicates that this missense variant is expected to disrupt NAGLU protein function. Experimental studies have shown that this missense change affects NAGLU function (PMID: 29979746). In summary, the available evidence is currently insufficient to determine the role of this variant in disease. Therefore, it has been classified as a Variant of Uncertain Significance.

Literature cited by the submitters: PubMed 29979746.

NM_000263.4(NAGLU):c.472G>T (p.Ala158Ser)

Gene: NAGLU (N-acetyl-alpha-glucosaminidase; plus strand). Cytogenetic location: 17q21.2.
Variant type: single nucleotide variant.
Coding change: c.472G>T on transcript NM_000263.4 (MANE Select); coding-DNA position 472, G replaced by T.
Protein change: p.Ala158Ser; replaces alanine 158 with serine.
Molecular consequence: missense variant.
Genome position (GRCh38, 1-based): chr17:42,537,486, G>T. VCF-style: chr17-42537486-G-T. GRCh37 (hg19) VCF-style: chr17-40689504-G-T.
Other names: short protein forms A158S.
Identifiers: ClinVar variation 2169594 (VCV002169594.1), dbSNP rs542076832, ClinGen allele CA8576772.
Genomic context (GRCh38, chr17:42,537,486, plus strand): 5'-CAAAGCTACTCTTTCGTGTGGTGGGACTGGGCCCGCTGGGAGCGAGAGATAGACTGGATG[G>T]CGCTGAATGGCATCAACCTGGCACTGGCCTGGAGCGGCCAGGAGGCCATCTGGCAGCGGG-3'
Protein context (NP_000254.2, residues 148-168): ARWEREIDWM[Ala158Ser]LNGINLALAW